The following is an entry in ClinVar:

NM_004599.4(SREBF2):c.3353_3359del (p.Asp1118fs)

Gene: SREBF2 (sterol regulatory element binding transcription factor 2; plus strand). Cytogenetic location: 22q13.2.
Variant type: Deletion.
Coding change: c.3353_3359del on transcript NM_004599.4 (MANE Select); coding-DNA positions 3353 to 3359, 7 bases deleted (ACCGGCG; older notation c.3353_3359delACCGGCG).
Protein change: p.Asp1118fs; shifts the reading frame from aspartic acid 1118.
Molecular consequence: frameshift variant. On other transcripts: non-coding transcript variant (1).
Genome position (GRCh38, 1-based): chr22:41,905,587-41,905,593, ACCGGCG deleted; deleting any 7 consecutive bases within chr22:41,905,583-41,905,593 gives the same sequence; the c. name uses the placement nearest the transcript's 3' end. VCF-style (leftmost placement, unchanged base first): chr22-41905582-GGGCGACC-G. GRCh37 (hg19) VCF-style: chr22-42301586-GGGCGACC-G.
Other names: short protein forms D1118fs.
Identifiers: ClinVar variation 3340085 (VCV003340085.1).

ClinVar aggregate classification (germline): Uncertain significance (0 of 4 stars; one submission).

Conditions:
Hypercholesterolemia. Also called: Primary hypercholesterolemia; Hypercholesterolaemia. Identifiers: MedGen C0020443, MeSH D006937, HP:0003124.

Submission:

Amrita Institute of Medical Sciences and Research Centre, Amrita Vishwa Vidyapeetham
Classification: Uncertain significance for Hypercholesterolemia. Last evaluated: 2023-08-03. Review status: no assertion criteria provided. Collection method: clinical testing. Allele origin: germline. Affected: yes.
Comment: This is a novel mutation in exon19 of SREBF2 gene.